The following is an entry in ClinVar:

NM_000373.4(UMPS):c.174C>T (p.Phe58=)

Gene: UMPS (uridine monophosphate synthetase; plus strand). Cytogenetic location: 3q21.2.
Variant type: single nucleotide variant.
Coding change: c.174C>T on transcript NM_000373.4 (MANE Select); coding-DNA position 174, C replaced by T.
Protein change: p.Phe58=; no amino-acid change (phenylalanine 58 retained).
Molecular consequence: synonymous variant. On other transcripts: non-coding transcript variant (1).
Genome position (GRCh38, 1-based): chr3:124,735,110, C>T. VCF-style: chr3-124735110-C-T. GRCh37 (hg19) VCF-style: chr3-124453957-C-T.
Identifiers: ClinVar variation 3052374 (VCV003052374.2), dbSNP rs539724738, ClinGen allele CA2581619.

ClinVar aggregate classification (germline): Likely benign (0 of 4 stars; one submission).

Conditions:
UMPS-related disorder. Also called: UMPS-related condition.

Allele frequency attached by ClinVar (database versions not stated): ExAC 0.00002; gnomAD 0.00013; 1000 Genomes Project 30x 0.00016; 1000 Genomes Project 0.00020; TOPMed 0.00026.
gnomAD v4.1: 32 of 1,613,788 alleles (0.002%); highest among the groups gnomAD compares: Admixed American, 0.037%; no homozygotes.

Submission:

PreventionGenetics, part of Exact Sciences
Classification: Likely benign for UMPS-related condition. Last evaluated: 2019-08-17. Review status: no assertion criteria provided. Collection method: clinical testing. Allele origin: germline.
Comment: This variant is classified as likely benign based on ACMG/AMP sequence variant interpretation guidelines (Richards et al. 2015 PMID: 25741868, with internal and published modifications).